The following is an entry in ClinVar:

NM_001040272.6(ADAMTSL1):c.3374G>A (p.Arg1125His)

Gene: ADAMTSL1 (ADAMTS like 1; plus strand). Cytogenetic location: 9p22.1.
Variant type: single nucleotide variant.
Coding change: c.3374G>A on transcript NM_001040272.6 (MANE Select); coding-DNA position 3374, G replaced by A.
Protein change: p.Arg1125His; replaces arginine 1125 with histidine.
Molecular consequence: missense variant.
Genome position (GRCh38, 1-based): chr9:18,777,603, G>A. VCF-style: chr9-18777603-G-A. GRCh37 (hg19) VCF-style: chr9-18777601-G-A.
Other names: short protein forms R1125H.
Identifiers: ClinVar variation 772910 (VCV000772910.28), dbSNP rs138492683, ClinGen allele CA4999736.

ClinVar aggregate classification (germline): Likely benign. Review status: criteria provided, multiple submitters, no conflicts (2 of 4 stars). 2 submissions from 2 submitters: Likely benign (2). Last evaluated 2022-11-01.

Allele frequency attached by ClinVar (database versions not stated): 1000 Genomes Project 30x 0.00312; 1000 Genomes Project 0.00339; ExAC 0.00577; TOPMed 0.00587; ESP Exome Variant Server 0.00840.
gnomAD v4.1: 12,001 of 1,613,110 alleles (0.74%); highest among the groups gnomAD compares: Middle Eastern, 1.1%; 56 homozygotes.

Submissions (2):

CeGaT Center for Human Genetics Tuebingen
Classification: Likely benign. Last evaluated: 2022-11-01. Review status: criteria provided, single submitter. Criteria: CeGaT Center For Human Genetics Tuebingen Variant Classification Criteria Version 2. Collection method: clinical testing. Allele origin: germline. Affected: yes. Observed: 4 variant alleles.
Comment: ADAMTSL1: BP4, BS2

Labcorp Genetics (formerly Invitae), Labcorp
Classification: Likely benign. Last evaluated: 2019-12-31. Review status: criteria provided, single submitter. Criteria: Invitae Variant Classification Sherloc (09022015). Collection method: clinical testing. Allele origin: germline.